The following is an entry in ClinVar:

ClinVar aggregate classification (germline): Uncertain significance (1 of 4 stars; one submission).

Submission:

GeneDx
Classification: Uncertain significance. Last evaluated: 2025-11-07. Review status: criteria provided, single submitter. Criteria: GeneDx Variant Classification Process June 2021. Collection method: clinical testing. Allele origin: germline.
Comment: Not observed at significant frequency in large population cohorts (gnomAD); In silico analysis supports that this missense variant has a deleterious effect on protein structure/function; Has not been previously published as pathogenic or benign to our knowledge

NM_000702.4(ATP1A2):c.2537T>C (p.Leu846Pro)

Gene: ATP1A2 (ATPase Na+/K+ transporting subunit alpha 2; plus strand). Cytogenetic location: 1q23.2.
Variant type: single nucleotide variant.
Coding change: c.2537T>C on transcript NM_000702.4 (MANE Select); coding-DNA position 2537, T replaced by C.
Protein change: p.Leu846Pro; replaces leucine 846 with proline.
Molecular consequence: missense variant.
Genome position (GRCh38, 1-based): chr1:160,136,344, T>C. VCF-style: chr1-160136344-T-C. GRCh37 (hg19) VCF-style: chr1-160106134-T-C.
Other names: short protein forms L846P.
Identifiers: ClinVar variation 3774650 (VCV003774650.2).